The following is an entry in ClinVar:

ClinVar aggregate classification (germline): Uncertain significance. Review status: criteria provided, multiple submitters, no conflicts (2 of 4 stars). 2 submissions from 2 submitters: Uncertain significance (2). Last evaluated 2022-02-02.

Conditions:
Skeletal dysplasia, mild, with joint laxity and advanced bone age. Identifiers: MedGen C5394341, MONDO:0030029, OMIM 618870.

Allele frequency attached by ClinVar (database versions not stated): gnomAD 0.00005; gnomAD exomes 0.00001.
gnomAD v4.1: 23 of 1,613,960 alleles (0.0014%); highest among the groups gnomAD compares: African/African-American, 0.015%; no homozygotes.

Submissions (2):

Victorian Clinical Genetics Services, Murdoch Childrens Research Institute
Classification: Uncertain significance for Skeletal dysplasia, mild, with joint laxity and advanced bone age. Last evaluated: 2022-02-02. Review status: criteria provided, single submitter. Criteria: ACMG Guidelines, 2015. Collection method: clinical testing. Allele origin: germline. Inheritance: Autosomal recessive inheritance. Affected: yes.
Comment: Based on the classification scheme VCGS_Germline_v1.3.4, this variant is classified as VUS-3A. Following criteria are met: 0102 - Loss of function is a known mechanism of disease in this gene and is associated with mild skeletal dysplasia with joint laxity and advanced bone age (MIM#618870). (I) 0106 - This gene is associated with autosomal recessive disease. (I) 0200 - Variant is predicted to result in a missense amino acid change from aspartic acid to glutamic acid. (I) 0251 - This variant is heterozygous. (I) 0304 - Variant is present in gnomAD (v3) <0.01 for a recessive condition (8 heterozygotes, 0 homozygotes). (SP) 0502 - Missense variant with conflicting in silico predictions and uninformative conservation. (I) 0600 - Variant is located in the annotated Chondroitin N-acetylgalactosaminyltransferase domain (DECIPHER). (I) 0705 - No comparable missense variants have previous evidence for pathogenicity. (I) 0807 - This variant has no previous evidence of pathogenicity. (I) 0905 - No published segregation evidence has been identified for this variant. (I) 1007 - No published functional evidence has been identified for this variant. (I) 1102 - Strong phenotype match for this individual. (SP) 1208 - Inheritance information for this variant is not currently available in this individual. (I) Legend: (SP) - Supporting pathogenic, (I) - Information, (SB) - Supporting benign

Labcorp Genetics (formerly Invitae), Labcorp
Classification: Uncertain significance. Last evaluated: 2022-01-31. Review status: criteria provided, single submitter. Criteria: Invitae Variant Classification Sherloc (09022015). Collection method: clinical testing. Allele origin: germline.
Comment: In summary, the available evidence is currently insufficient to determine the role of this variant in disease. Therefore, it has been classified as a Variant of Uncertain Significance. Algorithms developed to predict the effect of missense changes on protein structure and function are either unavailable or do not agree on the potential impact of this missense change (SIFT: "Tolerated"; PolyPhen-2: "Possibly Damaging"; Align-GVGD: "Class C0"). This variant has not been reported in the literature in individuals affected with CSGALNACT1-related conditions. This variant is present in population databases (rs760109126, gnomAD 0.008%). This sequence change replaces aspartic acid, which is acidic and polar, with glutamic acid, which is acidic and polar, at codon 219 of the CSGALNACT1 protein (p.Asp219Glu).

NM_001354483.2(CSGALNACT1):c.657C>G (p.Asp219Glu)

Gene: CSGALNACT1 (chondroitin sulfate N-acetylgalactosaminyltransferase 1; minus strand). Cytogenetic location: 8p21.3.
Variant type: single nucleotide variant.
Coding change: c.657C>G on transcript NM_001354483.2 (MANE Select); coding-DNA position 657, C replaced by G.
Protein change: p.Asp219Glu; replaces aspartic acid 219 with glutamic acid.
Molecular consequence: missense variant. On other transcripts: non-coding transcript variant (7).
Genome position (GRCh38, 1-based): chr8:19,458,620, G>C on the plus strand (C>G on the coding strand, the complement: CSGALNACT1 is on the minus strand). VCF-style: chr8-19458620-G-C. GRCh37 (hg19) VCF-style: chr8-19316131-G-C.
Other names: c.657C>G, p.Asp219Glu (NM_001354475.2, NM_001354476.2, NM_001354477.2 and 18 more transcripts); short protein forms D219E.
Identifiers: ClinVar variation 1805165 (VCV001805165.6), dbSNP rs760109126, ClinGen allele CA173295580.